The following is an entry in ClinVar:

ClinVar aggregate classification (germline): Uncertain significance (1 of 4 stars; one submission).

Conditions:
Sulfite oxidase deficiency due to molybdenum cofactor deficiency type A. Also called: Molybdenum cofactor deficiency, complementation group A; Molybdenum Cofactor Deficiency A. Identifiers: Orphanet 308386, Orphanet 833, MedGen C1854988, MONDO:0009643, OMIM 252150.

Allele frequency attached by ClinVar (database versions not stated): gnomAD exomes below 0.00001; TOPMed below 0.00001.

Submission:

Labcorp Genetics (formerly Invitae), Labcorp
Classification: Uncertain significance for Sulfite oxidase deficiency due to molybdenum cofactor deficiency type A. Last evaluated: 2022-07-14. Review status: criteria provided, single submitter. Criteria: Invitae Variant Classification Sherloc (09022015). Collection method: clinical testing. Allele origin: germline.
Comment: This sequence change affects codon 588 of the MOCS1 mRNA. It is a 'silent' change, meaning that it does not change the encoded amino acid sequence of the MOCS1 protein. The frequency data for this variant in the population databases is considered unreliable, as metrics indicate poor data quality at this position in the gnomAD database. This variant has not been reported in the literature in individuals affected with MOCS1-related conditions. In summary, the available evidence is currently insufficient to determine the role of this variant in disease. Therefore, it has been classified as a Variant of Uncertain Significance.

NM_001358530.2(MOCS1):c.1764G>A (p.Gly588=)

Gene: MOCS1 (molybdenum cofactor synthesis 1; minus strand). Cytogenetic location: 6p21.2.
Variant type: single nucleotide variant.
Coding change: c.1764G>A on transcript NM_001358530.2 (MANE Select); coding-DNA position 1764, G replaced by A.
Protein change: p.Gly588=; no amino-acid change (glycine 588 retained).
Molecular consequence: synonymous variant. On other transcripts: 3 prime UTR variant (4), non-coding transcript variant (1).
Genome position (GRCh38, 1-based): chr6:39,906,504, C>T on the plus strand (G>A on the coding strand, the complement: MOCS1 is on the minus strand). VCF-style: chr6-39906504-C-T. GRCh37 (hg19) VCF-style: chr6-39874280-C-T.
Other names: c.*621G>A (NM_001075098.4, NM_001358533.2, NM_001358534.2 and 1 more transcripts); c.1716G>A, p.Gly572= (NM_001358529.2); c.1503G>A, p.Gly501= (NM_001358531.2).
Identifiers: ClinVar variation 2058686 (VCV002058686.1), dbSNP rs1278886671, ClinGen allele CA566884885.